The following is an entry in ClinVar:

NM_015338.6(ASXL1):c.1759G>A (p.Gly587Ser)

Gene: ASXL1 (ASXL transcriptional regulator 1; plus strand). Cytogenetic location: 20q11.21.
Variant type: single nucleotide variant.
Coding change: c.1759G>A on transcript NM_015338.6 (MANE Select); coding-DNA position 1759, G replaced by A.
Protein change: p.Gly587Ser; replaces glycine 587 with serine.
Molecular consequence: missense variant.
Genome position (GRCh38, 1-based): chr20:32,434,471, G>A. VCF-style: chr20-32434471-G-A. GRCh37 (hg19) VCF-style: chr20-31022274-G-A.
Other names: c.1576G>A, p.Gly526Ser (NM_001363734.1); short protein forms G587S, G526S.
Identifiers: ClinVar variation 4588338 (VCV004588338.1).

ClinVar aggregate classification (germline): Uncertain significance (1 of 4 stars; one submission).

Conditions:
Inborn genetic diseases. Identifiers: MedGen C0950123, MeSH D030342.

Submission:

Ambry Genetics
Classification: Uncertain significance for Inborn genetic diseases. Last evaluated: 2025-11-03. Review status: criteria provided, single submitter. Criteria: Ambry Variant Classification Scheme 2023. Collection method: clinical testing. Allele origin: germline.
Comment: The p.G587S variant (also known as c.1759G>A), located in coding exon 13 of the ASXL1 gene, results from a G to A substitution at nucleotide position 1759. The glycine at codon 587 is replaced by serine, an amino acid with similar properties. This amino acid position is conserved. In addition, this alteration is predicted to be tolerated by in silico analysis. Based on the available evidence, the clinical significance of this variant remains unclear.